The following is an entry in ClinVar:

NM_000439.5(PCSK1):c.1723-9A>G

Genes: CAST (calpastatin; plus strand), PCSK1 (proprotein convertase subtilisin/kexin type 1; minus strand), LOC101929710 (uncharacterized LOC101929710; plus strand). Cytogenetic location: 5q15.
Variant type: single nucleotide variant.
Coding change: c.1723-9A>G on transcript NM_000439.5 (MANE Select); 9 bases into the intron before coding-DNA position 1723, A replaced by G.
Molecular consequence: intron variant.
Genome position (GRCh38, 1-based): chr5:96,395,034, T>C on the plus strand (A>G on the coding strand, the complement: PCSK1 is on the minus strand). VCF-style: chr5-96395034-T-C. GRCh37 (hg19) VCF-style: chr5-95730738-T-C.
Other names: c.-175+15382T>C (NM_001423254.1, NM_001423259.1, NM_001423255.1 and 6 more transcripts); c.-103+15382T>C (NM_001423253.1); c.-40+15382T>C (NM_001423258.1); c.1582-9A>G (NM_001177875.2).
Identifiers: ClinVar variation 2726539 (VCV002726539.5), dbSNP rs377749194, ClinGen allele CA3350146.

ClinVar aggregate classification (germline): Likely benign. Review status: criteria provided, single submitter (1 of 4 stars). 2 submissions from 2 submitters: Likely benign (1). 1 of the submissions does not count toward it. Last evaluated 2025-06-17.

Conditions:
PCSK1-related disorder. Also called: PCSK1-related condition.

Allele frequency attached by ClinVar (database versions not stated): ESP Exome Variant Server 0.00031; TOPMed 0.00048; ExAC 0.00019; gnomAD 0.00046; 1000 Genomes Project 30x 0.00078; gnomAD exomes 0.00002; 1000 Genomes Project 0.00100.
gnomAD v4.1: 102 of 1,599,814 alleles (0.0064%); highest among the groups gnomAD compares: African/African-American, 0.13%; no homozygotes.

Submissions (2):

Labcorp Genetics (formerly Invitae), Labcorp
Classification: Likely benign. Last evaluated: 2025-06-17. Review status: criteria provided, single submitter. Criteria: Invitae Variant Classification Sherloc (09022015). Collection method: clinical testing. Allele origin: germline.

PreventionGenetics, part of Exact Sciences
Classification: Likely benign for PCSK1-related condition. Last evaluated: 2019-09-04. Review status: no assertion criteria provided. Collection method: clinical testing. Allele origin: germline. Not counted in ClinVar's aggregate classification.
Comment: This variant is classified as likely benign based on ACMG/AMP sequence variant interpretation guidelines (Richards et al. 2015 PMID: 25741868, with internal and published modifications).